The following is an entry in ClinVar:

ClinVar aggregate classification (germline): Uncertain significance (1 of 4 stars; one submission).

Allele frequency attached by ClinVar (database versions not stated): gnomAD exomes below 0.00001.

Submission:

Labcorp Genetics (formerly Invitae), Labcorp
Classification: Uncertain significance. Last evaluated: 2023-01-22. Review status: criteria provided, single submitter. Criteria: Invitae Variant Classification Sherloc (09022015). Collection method: clinical testing. Allele origin: germline.
Comment: In summary, the available evidence is currently insufficient to determine the role of this variant in disease. Therefore, it has been classified as a Variant of Uncertain Significance. Algorithms developed to predict the effect of missense changes on protein structure and function (SIFT, PolyPhen-2, Align-GVGD) all suggest that this variant is likely to be tolerated. This variant has not been reported in the literature in individuals affected with LEMD3-related conditions. This variant is not present in population databases (gnomAD no frequency). This sequence change replaces valine, which is neutral and non-polar, with isoleucine, which is neutral and non-polar, at codon 76 of the LEMD3 protein (p.Val76Ile).

NM_014319.5(LEMD3):c.226G>A (p.Val76Ile)

Gene: LEMD3 (LEM domain containing 3; plus strand). Cytogenetic location: 12q14.3.
Variant type: single nucleotide variant.
Coding change: c.226G>A on transcript NM_014319.5 (MANE Select); coding-DNA position 226, G replaced by A.
Protein change: p.Val76Ile; replaces valine 76 with isoleucine.
Molecular consequence: missense variant.
Genome position (GRCh38, 1-based): chr12:65,169,822, G>A. VCF-style: chr12-65169822-G-A. GRCh37 (hg19) VCF-style: chr12-65563602-G-A.
Other names: c.226G>A, p.Val76Ile (NM_001167614.2); short protein forms V76I.
Identifiers: ClinVar variation 2831195 (VCV002831195.3), dbSNP rs2498937859, ClinGen allele CA385672153.
Genomic context (GRCh38, chr12:65,169,822, plus strand): 5'-TCAGGGGGCCGCGGCAACAAGACGCGGAACAGTAATAACAATAACACGGCAGCCGCCACG[G>A]TCGCAGCCGCGGGACCAGCGGCGGCGGCGGCCGCGGGGATGGGGGTCCGGCCGGTCTCGG-3'
Protein context (NP_055134.2, residues 66-86): SNNNNTAAAT[Val76Ile]AAAGPAAAAA